The following is an entry in ClinVar:

NM_206933.4(USH2A):c.1961T>C (p.Leu654Pro)

Gene: USH2A (usherin; minus strand). Cytogenetic location: 1q41.
Variant type: single nucleotide variant.
Coding change: c.1961T>C on transcript NM_206933.4 (MANE Select); coding-DNA position 1961, T replaced by C.
Protein change: p.Leu654Pro; replaces leucine 654 with proline.
Molecular consequence: missense variant.
Genome position (GRCh38, 1-based): chr1:216,289,290, A>G on the plus strand (T>C on the coding strand, the complement: USH2A is on the minus strand). VCF-style: chr1-216289290-A-G. GRCh37 (hg19) VCF-style: chr1-216462632-A-G.
Other names: c.1961T>C, p.Leu654Pro (NM_007123.6); short protein forms L654P.
Identifiers: ClinVar variation 559526 (VCV000559526.12), dbSNP rs1321779316, ClinGen allele CA344902576.

ClinVar aggregate classification (germline): Uncertain significance. Review status: criteria provided, multiple submitters, no conflicts (2 of 4 stars). 7 submissions from 6 submitters: Uncertain significance (6). 1 of the submissions does not count toward it. Last evaluated 2024-07-15.

Conditions:
Usher syndrome type 2A. Also called: RETINAL DISEASE IN USHER SYNDROME TYPE IIA, MODIFIER OF; USHER SYNDROME, TYPE IIA. Identifiers: Orphanet 231178, Orphanet 886, MedGen C1848634, MONDO:0010169, OMIM 276901.
Retinitis pigmentosa 39 (RP39). Identifiers: Orphanet 791, MedGen C3151138, MONDO:0013436, OMIM 613809.
Leber congenital amaurosis (LCA). Also called: Leber's amaurosis. Identifiers: Orphanet 65, MedGen C0339527, MeSH D057130, MONDO:0018998.

Allele frequency attached by ClinVar (database versions not stated): gnomAD exomes 0.00004 and 0.00017; TOPMed 0.00053; gnomAD 0.00054 and 0.00056.
gnomAD v4.1: 136 of 1,613,808 alleles (0.0084%); highest among the groups gnomAD compares: Admixed American, 0.22%; 2 homozygotes.

Submissions (7):

Labcorp Genetics (formerly Invitae), Labcorp
Classification: Uncertain significance. Last evaluated: 2024-07-15. Review status: criteria provided, single submitter. Criteria: Invitae Variant Classification Sherloc (09022015). Collection method: clinical testing. Allele origin: germline.
Comment: This sequence change replaces leucine, which is neutral and non-polar, with proline, which is neutral and non-polar, at codon 654 of the USH2A protein (p.Leu654Pro). The frequency data for this variant in the population databases is considered unreliable, as metrics indicate poor data quality at this position in the gnomAD database. This variant has not been reported in the literature in individuals affected with USH2A-related conditions. ClinVar contains an entry for this variant (Variation ID: 559526). Advanced modeling of protein sequence and biophysical properties (such as structural, functional, and spatial information, amino acid conservation, physicochemical variation, residue mobility, and thermodynamic stability) performed at Invitae indicates that this missense variant is not expected to disrupt USH2A protein function with a negative predictive value of 95%. In summary, the available evidence is currently insufficient to determine the role of this variant in disease. Therefore, it has been classified as a Variant of Uncertain Significance.

Genome-Nilou Lab
Classification: Uncertain significance for Retinitis pigmentosa 39. Last evaluated: 2023-11-04. Review status: criteria provided, single submitter. Criteria: ACMG Guidelines, 2015. Collection method: clinical testing. Allele origin: germline. Affected: no.

Genome-Nilou Lab
Classification: Uncertain significance for Usher syndrome type 2A. Last evaluated: 2023-11-04. Review status: criteria provided, single submitter. Criteria: ACMG Guidelines, 2015. Collection method: clinical testing. Allele origin: germline. Affected: no.

Blueprint Genetics
Classification: Uncertain significance. Last evaluated: 2023-06-16. Review status: criteria provided, single submitter. Criteria: ACMG Guidelines, 2015. Collection method: clinical testing. Allele origin: germline.

Fulgent Genetics
Classification: Uncertain significance for Usher syndrome type 2A; Retinitis pigmentosa 39. Last evaluated: 2022-05-05. Review status: criteria provided, single submitter. Criteria: ACMG Guidelines, 2015. Collection method: clinical testing. Allele origin: unknown.

Cytogenetics and Genomics Laboratory, Medical University of South Carolina
Classification: Uncertain significance for Leber congenital amaurosis. Last evaluated: 2018-06-01. Review status: criteria provided, single submitter. Criteria: ACMG Guidelines, 2015. Collection method: research. Allele origin: maternal. Affected: yes. Observed: 5 variant alleles.

Natera, Inc.
Classification: Uncertain significance for Usher syndrome type 2A. Last evaluated: 2020-04-08. Review status: no assertion criteria provided. Collection method: clinical testing. Allele origin: germline. Not counted in ClinVar's aggregate classification.